The following is an entry in ClinVar:

ClinVar aggregate classification (germline): Uncertain significance (1 of 4 stars; one submission).

gnomAD v4.1: 1 of 1,613,934 alleles (0.000062%); highest among the groups gnomAD compares: Non-Finnish European, 0.000085%; no homozygotes.

Submission:

GeneDx
Classification: Uncertain significance. Last evaluated: 2024-06-25. Review status: criteria provided, single submitter. Criteria: GeneDx Variant Classification Process June 2021. Collection method: clinical testing. Allele origin: germline. Affected: yes.
Comment: Not observed at significant frequency in large population cohorts (gnomAD); In silico analysis indicates that this missense variant does not alter protein structure/function; Has not been previously published as pathogenic or benign to our knowledge

NM_014991.6(WDFY3):c.4030A>G (p.Asn1344Asp)

Gene: WDFY3 (WD repeat and FYVE domain containing 3; minus strand). Cytogenetic location: 4q21.23.
Variant type: single nucleotide variant.
Coding change: c.4030A>G on transcript NM_014991.6 (MANE Select); coding-DNA position 4030, A replaced by G.
Protein change: p.Asn1344Asp; replaces asparagine 1344 with aspartic acid.
Molecular consequence: missense variant.
Genome position (GRCh38, 1-based): chr4:84,786,011, T>C on the plus strand (A>G on the coding strand, the complement: WDFY3 is on the minus strand). VCF-style: chr4-84786011-T-C. GRCh37 (hg19) VCF-style: chr4-85707164-T-C.
Other names: short protein forms N1344D.
Identifiers: ClinVar variation 3392662 (VCV003392662.1).
Genomic context (GRCh38, chr4:84,786,011, plus strand): 5'-TAGTACACCAAGAAATCATTCTGCTTACCTGCTTAGCAATGGCTTTGCTATCCAATTTGT[T>C]ATACACTTTCCGGATTCTTGCCACTGTTAGAGACGACACAGAGAGTGCATAGAGGCCAAA-3'
Protein context (NP_055806.2, residues 1334-1354): LTVARIRKVY[Asn1344Asp]KLDSKAIAKQ